The following is an entry in ClinVar:

ClinVar aggregate classification (germline): Uncertain significance (1 of 4 stars; one submission).

gnomAD v4.1: 4 of 1,424,830 alleles (0.00028%); highest among the groups gnomAD compares: East Asian, 0.0059%; no homozygotes.

Submission:

Labcorp Genetics (formerly Invitae), Labcorp
Classification: Uncertain significance. Last evaluated: 2024-10-01. Review status: criteria provided, single submitter. Criteria: Invitae Variant Classification Sherloc (09022015). Collection method: clinical testing. Allele origin: germline.
Comment: This sequence change replaces serine, which is neutral and polar, with phenylalanine, which is neutral and non-polar, at codon 263 of the ARID1A protein (p.Ser263Phe). This variant is not present in population databases (gnomAD no frequency). This variant has not been reported in the literature in individuals affected with ARID1A-related conditions. Invitae Evidence Modeling of protein sequence and biophysical properties (such as structural, functional, and spatial information, amino acid conservation, physicochemical variation, residue mobility, and thermodynamic stability) indicates that this missense variant is not expected to disrupt ARID1A protein function with a negative predictive value of 95%. In summary, the available evidence is currently insufficient to determine the role of this variant in disease. Therefore, it has been classified as a Variant of Uncertain Significance.

NM_006015.6(ARID1A):c.788C>T (p.Ser263Phe)

Genes: ARID1A (AT-rich interaction domain 1A; plus strand), LOC129929837 (ATAC-STARR-seq lymphoblastoid silent region 489; plus strand). Cytogenetic location: 1p36.11.
Variant type: single nucleotide variant.
Coding change: c.788C>T on transcript NM_006015.6 (MANE Select); coding-DNA position 788, C replaced by T.
Protein change: p.Ser263Phe; replaces serine 263 with phenylalanine.
Molecular consequence: missense variant.
Genome position (GRCh38, 1-based): chr1:26,697,191, C>T. VCF-style: chr1-26697191-C-T. GRCh37 (hg19) VCF-style: chr1-27023682-C-T.
Other names: c.788C>T, p.Ser263Phe (NM_139135.4); short protein forms S263F.
Identifiers: ClinVar variation 3711779 (VCV003711779.2).